The following is an entry in ClinVar:

NM_002465.4(MYBPC1):c.104-10C>A

Gene: MYBPC1 (myosin binding protein C1; plus strand). Cytogenetic location: 12q23.2.
Variant type: single nucleotide variant.
Coding change: c.104-10C>A on transcript NM_002465.4 (MANE Select); 10 bases into the intron before coding-DNA position 104, C replaced by A.
Molecular consequence: intron variant.
Genome position (GRCh38, 1-based): chr12:101,626,862, C>A. VCF-style: chr12-101626862-C-A. GRCh37 (hg19) VCF-style: chr12-102020640-C-A.
Other names: p.?; c.104-10C>A (NM_206819.4, NM_001404675.1); c.104-2572C>A (NM_001254718.3, NM_206820.4, NM_001254719.3 and 4 more transcripts); c.68-2572C>A (NM_001254720.3); c.26-10C>A (NM_001254723.3); c.26-2572C>A (NM_001254722.3, NM_001404680.1, NM_001404679.1 and 2 more transcripts).
Identifiers: ClinVar variation 884160 (VCV000884160.7), dbSNP rs373075518, ClinGen allele CA6744387.

ClinVar aggregate classification (germline): Benign/Likely benign. Review status: criteria provided, multiple submitters, no conflicts (2 of 4 stars). 2 submissions from 2 submitters: Benign (1); Likely benign (1). Last evaluated 2025-04-22.

Conditions:
Arthrogryposis, distal, type 1B. Identifiers: Orphanet 1146, MedGen C3280526, MONDO:0013698, OMIM 614335.

Allele frequency attached by ClinVar (database versions not stated): ESP Exome Variant Server 0.00008; TOPMed 0.00007; gnomAD exomes 0.00015 and 0.00013; gnomAD 0.00005 and 0.00004; ExAC 0.00017.
gnomAD v4.1: 202 of 1,610,648 alleles (0.013%); highest among the groups gnomAD compares: South Asian, 0.071%; 1 homozygote.

Submissions (2):

Mayo Clinic Laboratories, Mayo Clinic
Classification: Likely benign. Last evaluated: 2025-04-22. Review status: criteria provided, single submitter. Criteria: ACMG Guidelines, 2015. Collection method: clinical testing. Allele origin: germline. Observed: 1 variant allele.

Illumina Laboratory Services, Illumina
Classification: Benign for Arthrogryposis, distal, type 1B. Last evaluated: 2018-03-29. Review status: criteria provided, single submitter. Criteria: ICSL Variant Classification Criteria 13 December 2019. Collection method: clinical testing. Allele origin: germline.
Comment: This variant was observed in the ICSL laboratory as part of a predisposition screen in an ostensibly healthy population. It had not been previously curated by ICSL or reported in the Human Gene Mutation Database (HGMD: prior to June 1st, 2018), and was therefore a candidate for classification through an automated scoring system. Utilizing variant allele frequency, disease prevalence and penetrance estimates, and inheritance mode, an automated score was calculated to assess if this variant is too frequent to cause the disease. Based on the score and internal cut-off values, a variant classified as benign is not then subjected to further curation. The score for this variant resulted in a classification of benign for this disease.